The following is an entry in ClinVar:

ClinVar aggregate classification (germline): Uncertain significance (1 of 4 stars; one submission).

Allele frequency attached by ClinVar (database versions not stated): gnomAD 0.00001; gnomAD exomes 0.00001; TOPMed 0.00004; ExAC 0.00005.

Submission:

Labcorp Genetics (formerly Invitae), Labcorp
Classification: Uncertain significance. Last evaluated: 2023-11-24. Review status: criteria provided, single submitter. Criteria: Invitae Variant Classification Sherloc (09022015). Collection method: clinical testing. Allele origin: germline.
Comment: This sequence change falls in intron 9 of the DLL4 gene. It does not directly change the encoded amino acid sequence of the DLL4 protein. It affects a nucleotide within the consensus splice site. This variant is present in population databases (rs780942059, gnomAD 0.007%). This variant has not been reported in the literature in individuals affected with DLL4-related conditions. Variants that disrupt the consensus splice site are a relatively common cause of aberrant splicing (PMID: 17576681, 9536098). Algorithms developed to predict the effect of sequence changes on RNA splicing suggest that this variant is not likely to affect RNA splicing. In summary, the available evidence is currently insufficient to determine the role of this variant in disease. Therefore, it has been classified as a Variant of Uncertain Significance.

Literature cited by the submitters: PubMed 17576681; PubMed 9536098.

NM_019074.4(DLL4):c.1943+3G>A

Gene: DLL4 (delta like canonical Notch ligand 4; plus strand). Cytogenetic location: 15q15.1.
Variant type: single nucleotide variant.
Coding change: c.1943+3G>A on transcript NM_019074.4 (MANE Select); 3 bases into the intron after coding-DNA position 1943, G replaced by A.
Molecular consequence: intron variant.
Genome position (GRCh38, 1-based): chr15:40,936,933, G>A. VCF-style: chr15-40936933-G-A. GRCh37 (hg19) VCF-style: chr15-41229131-G-A.
Identifiers: ClinVar variation 2883314 (VCV002883314.3), dbSNP rs780942059, ClinGen allele CA7488027.